The following is an entry in ClinVar:

ClinVar aggregate classification (germline): Benign. Review status: criteria provided, multiple submitters, no conflicts (2 of 4 stars). 3 submissions from 3 submitters: Benign (2). 1 of the submissions does not count toward it. Last evaluated 2026-01-25.

Conditions:
AKR1C4-related disorder. Also called: AKR1C4-related condition.

Allele frequency attached by ClinVar (database versions not stated): 1000 Genomes Project 30x 0.02608; 1000 Genomes Project 0.02696; ESP Exome Variant Server 0.02776; ExAC 0.00807; TOPMed 0.02787.
gnomAD v4.1: 7,649 of 1,613,412 alleles (0.47%); highest among the groups gnomAD compares: African/African-American, 8.8%; 298 homozygotes.

Submissions (3):

Labcorp Genetics (formerly Invitae), Labcorp
Classification: Benign. Last evaluated: 2026-01-25. Review status: criteria provided, single submitter. Criteria: Invitae Variant Classification Sherloc (09022015). Collection method: clinical testing. Allele origin: germline.

Breakthrough Genomics
Classification: Benign. Review status: criteria provided, single submitter. Criteria: ACMG Guidelines, 2015. Collection method: not provided. Allele origin: germline. Inheritance: Autosomal recessive inheritance. Affected: yes.

PreventionGenetics, part of Exact Sciences
Classification: Benign for AKR1C4-related condition. Last evaluated: 2019-05-15. Review status: no assertion criteria provided. Collection method: clinical testing. Allele origin: germline. Not counted in ClinVar's aggregate classification.
Comment: This variant is classified as benign based on ACMG/AMP sequence variant interpretation guidelines (Richards et al. 2015 PMID: 25741868, with internal and published modifications).

NM_001818.5(AKR1C4):c.404G>A (p.Gly135Glu)

Gene: AKR1C4 (aldo-keto reductase family 1 member C4; plus strand). Cytogenetic location: 10p15.1.
Variant type: single nucleotide variant.
Coding change: c.404G>A on transcript NM_001818.5 (MANE Select); coding-DNA position 404, G replaced by A.
Protein change: p.Gly135Glu; replaces glycine 135 with glutamic acid.
Molecular consequence: missense variant.
Genome position (GRCh38, 1-based): chr10:5,205,791, G>A. VCF-style: chr10-5205791-G-A. GRCh37 (hg19) VCF-style: chr10-5247754-G-A.
Other names: short protein forms G135E.
Identifiers: ClinVar variation 789027 (VCV000789027.10), dbSNP rs11253043, ClinGen allele CA5391431.
Genomic context (GRCh38, chr10:5,205,791, plus strand): 5'-CACTAAAGTGACTGCTTCTACTTCAGCCAGGTGAGACGCCACTACCAAAAGATGAAAATG[G>A]AAAAGTAATATTCGACACAGTGGATCTCTCTGCCACATGGGAGGTGAGTGCTTGGAGGAC-3'
Protein context (NP_001809.4, residues 125-145): GETPLPKDEN[Gly135Glu]KVIFDTVDLS